The following is an entry in ClinVar:

ClinVar aggregate classification (germline): Likely benign. Review status: criteria provided, multiple submitters, no conflicts (2 of 4 stars). 3 submissions from 3 submitters: Likely benign (2). 1 of the submissions does not count toward it. Last evaluated 2024-07-03.

Conditions:
Inborn genetic diseases. Identifiers: MedGen C0950123, MeSH D030342.
HECW2-related disorder. Also called: HECW2-related condition.

Allele frequency attached by ClinVar (database versions not stated): TOPMed 0.00002; ExAC 0.00003; gnomAD 0.00003; gnomAD exomes 0.00004.
gnomAD v4.1: 56 of 1,613,788 alleles (0.0035%); highest among the groups gnomAD compares: East Asian, 0.0067%; 1 homozygote.

Submissions (3):

Blueprint Genetics
Classification: Likely benign. Last evaluated: 2024-07-03. Review status: criteria provided, single submitter. Criteria: ACMG Guidelines, 2015. Collection method: clinical testing. Allele origin: germline.

Ambry Genetics
Classification: Likely benign for Inborn genetic diseases. Last evaluated: 2022-09-20. Review status: criteria provided, single submitter. Criteria: Ambry Variant Classification Scheme 2023. Collection method: clinical testing. Allele origin: germline.

PreventionGenetics, part of Exact Sciences
Classification: Likely benign for HECW2-related condition. Last evaluated: 2022-12-01. Review status: no assertion criteria provided. Collection method: clinical testing. Allele origin: germline. Not counted in ClinVar's aggregate classification.
Comment: This variant is classified as likely benign based on ACMG/AMP sequence variant interpretation guidelines (Richards et al. 2015 PMID: 25741868, with internal and published modifications).

NM_001348768.2(HECW2):c.1879G>A (p.Glu627Lys)

Gene: HECW2 (HECT, C2 and WW domain containing E3 ubiquitin protein ligase 2; minus strand). Cytogenetic location: 2q32.3.
Variant type: single nucleotide variant.
Coding change: c.1879G>A on transcript NM_001348768.2 (MANE Select); coding-DNA position 1879, G replaced by A.
Protein change: p.Glu627Lys; replaces glutamic acid 627 with lysine.
Molecular consequence: missense variant.
Genome position (GRCh38, 1-based): chr2:196,319,011, C>T on the plus strand (G>A on the coding strand, the complement: HECW2 is on the minus strand). VCF-style: chr2-196319011-C-T. GRCh37 (hg19) VCF-style: chr2-197183735-C-T.
Other names: c.811G>A, p.Glu271Lys (NM_001304840.3); c.1879G>A, p.Glu627Lys (NM_020760.4); c.1879G>A (NM_020760.2); short protein forms E271K, E627K.
Identifiers: ClinVar variation 2395613 (VCV002395613.5), dbSNP rs748126975, ClinGen allele CA2038240.